The following is an entry in ClinVar:

NM_144670.6(A2ML1):c.2753T>G (p.Leu918Arg)

Gene: A2ML1 (alpha-2-macroglobulin like 1; plus strand). Cytogenetic location: 12p13.31.
Variant type: single nucleotide variant.
Coding change: c.2753T>G on transcript NM_144670.6 (MANE Select); coding-DNA position 2753, T replaced by G.
Protein change: p.Leu918Arg; replaces leucine 918 with arginine.
Molecular consequence: missense variant.
Genome position (GRCh38, 1-based): chr12:8,854,820, T>G. VCF-style: chr12-8854820-T-G. GRCh37 (hg19) VCF-style: chr12-9007416-T-G.
Other names: c.1280T>G, p.Leu427Arg (NM_001282424.3); short protein forms L427R, L918R.
Identifiers: ClinVar variation 2304946 (VCV002304946.4), dbSNP rs1944005705, ClinGen allele CA383835268.
Genomic context (GRCh38, chr12:8,854,820, plus strand): 5'-TGTGTCTCTCTTCATCGCAGCCTGAGGGAGTCCTGGTGGAGAAGACACACAGCTCATTGC[T>G]GTGCCCAAAAGGTGGGTGGACTCAGAGCAGGATTGGTGGTGAGAATTCCCTTAGAGGGCA-3'
Protein context (NP_653271.3, residues 908-928): VLVEKTHSSL[Leu918Arg]CPKGKVASES

ClinVar aggregate classification (germline): Uncertain significance. Review status: criteria provided, multiple submitters, no conflicts (2 of 4 stars). 2 submissions from 2 submitters: Uncertain significance (2). Last evaluated 2024-02-13.

Allele frequency attached by ClinVar (database versions not stated): gnomAD exomes below 0.00001; TOPMed below 0.00001.
gnomAD v4.1: 1 of 1,613,992 alleles (0.000062%); highest among the groups gnomAD compares: Non-Finnish European, 0.000085%; no homozygotes.

Submissions (2):

Labcorp Genetics (formerly Invitae), Labcorp
Classification: Uncertain significance. Last evaluated: 2024-02-13. Review status: criteria provided, single submitter. Criteria: Invitae Variant Classification Sherloc (09022015). Collection method: clinical testing. Allele origin: germline.
Comment: This sequence change replaces leucine, which is neutral and non-polar, with arginine, which is basic and polar, at codon 918 of the A2ML1 protein (p.Leu918Arg). This variant is not present in population databases (gnomAD no frequency). This variant has not been reported in the literature in individuals affected with A2ML1-related conditions. ClinVar contains an entry for this variant (Variation ID: 2304946). An algorithm developed to predict the effect of missense changes on protein structure and function (PolyPhen-2) suggests that this variant is likely to be disruptive. In summary, the available evidence is currently insufficient to determine the role of this variant in disease. Therefore, it has been classified as a Variant of Uncertain Significance.

Ambry Genetics
Classification: Uncertain significance. Last evaluated: 2022-08-02. Review status: criteria provided, single submitter. Criteria: Ambry Variant Classification Scheme 2023. Collection method: clinical testing. Allele origin: germline.